The following is an entry in ClinVar:

NM_022455.5(NSD1):c.3394G>A (p.Gly1132Arg)

Gene: NSD1 (nuclear receptor binding SET domain protein 1; plus strand). Cytogenetic location: 5q35.3.
Variant type: single nucleotide variant.
Coding change: c.3394G>A on transcript NM_022455.5 (MANE Select); coding-DNA position 3394, G replaced by A.
Protein change: p.Gly1132Arg; replaces glycine 1132 with arginine.
Molecular consequence: missense variant.
Genome position (GRCh38, 1-based): chr5:177,211,793, G>A. VCF-style: chr5-177211793-G-A. GRCh37 (hg19) VCF-style: chr5-176638794-G-A.
Other names: c.2521G>A, p.Gly841Arg (NM_001365684.2, NM_001409306.1, NM_001409307.1 and 3 more transcripts); c.3394G>A, p.Gly1132Arg (NM_001409301.1, NM_001409302.1, NM_001409303.1); c.2974G>A, p.Gly992Arg (NM_001409304.1); c.2641G>A, p.Gly881Arg (NM_001409305.1); short protein forms G1132R, G863R, G841R, G992R, G881R.
Identifiers: ClinVar variation 197851 (VCV000197851.26), dbSNP rs570278983, ClinGen allele CA246224.

ClinVar aggregate classification (germline): Conflicting classifications of pathogenicity. Review status: criteria provided, conflicting classifications (1 of 4 stars). 6 submissions from 6 submitters: Uncertain significance (1); Likely benign (4). 1 of the submissions does not count toward it. Last evaluated 2026-01-01.

Conditions:
Sotos syndrome (SOTOS). Also called: Sotos' syndrome; Distinctive facial appearance, overgrowth in childhood, and learning disabilities or delayed development; CEREBRAL GIGANTISM; SOTOS SYNDROME 1; CHROMOSOME 5q35 DELETION SYNDROME. Identifiers: Orphanet 821, MedGen C0175695, MONDO:0019349, OMIM 117550.
NSD1-related disorder. Also called: NSD1-related condition.

Allele frequency attached by ClinVar (database versions not stated): gnomAD 0.00003 and 0.00005; TOPMed 0.00005; gnomAD exomes 0.00006 and 0.00014; ExAC 0.00009; 1000 Genomes Project 30x 0.00016; 1000 Genomes Project 0.00020.
gnomAD v4.1: 100 of 1,614,110 alleles (0.0062%); highest among the groups gnomAD compares: East Asian, 0.087%; 1 homozygote.

Submissions (6):

CeGaT Center for Human Genetics Tuebingen
Classification: Likely benign. Last evaluated: 2026-01-01. Review status: criteria provided, single submitter. Criteria: CeGaT Center For Human Genetics Tuebingen Variant Classification Criteria Version 2. Collection method: clinical testing. Allele origin: germline. Affected: yes. Observed: 1 variant allele.
Comment: NSD1: BP4

Labcorp Genetics (formerly Invitae), Labcorp
Classification: Likely benign. Last evaluated: 2025-11-17. Review status: criteria provided, single submitter. Criteria: Invitae Variant Classification Sherloc (09022015). Collection method: clinical testing. Allele origin: germline.

Blueprint Genetics
Classification: Likely benign. Last evaluated: 2024-03-05. Review status: criteria provided, single submitter. Criteria: ACMG Guidelines, 2015. Collection method: clinical testing. Allele origin: germline.

Genome-Nilou Lab
Classification: Likely benign for Sotos syndrome. Last evaluated: 2021-07-15. Review status: criteria provided, single submitter. Criteria: ACMG Guidelines, 2015. Collection method: clinical testing. Allele origin: germline. Affected: no.

Eurofins Ntd Llc (ga)
Classification: Uncertain significance. Last evaluated: 2014-08-20. Review status: criteria provided, single submitter. Criteria: EGL Classification Definitions 2015. Collection method: clinical testing. Allele origin: germline. Observed: 1 variant allele, 1 heterozygote.

PreventionGenetics, part of Exact Sciences
Classification: Likely benign for NSD1-related condition. Last evaluated: 2020-03-09. Review status: no assertion criteria provided. Collection method: clinical testing. Allele origin: germline. Not counted in ClinVar's aggregate classification.
Comment: This variant is classified as likely benign based on ACMG/AMP sequence variant interpretation guidelines (Richards et al. 2015 PMID: 25741868, with internal and published modifications).